The following is an entry in ClinVar:

ClinVar aggregate classification (germline): Benign (1 of 4 stars; one submission).

Conditions:
Pheochromocytoma/paraganglioma syndrome 4. Also called: CAROTID BODY TUMORS AND MULTIPLE EXTRAADRENAL PHEOCHROMOCYTOMAS; PARAGANGLIOMA, FAMILIAL MALIGNANT; PARAGANGLIOMAS, HEREDITARY EXTRAADRENAL; PHEOCHROMOCYTOMA, FAMILIAL EXTRAADRENAL; Paragangliomas 4; SDHB-Related Hereditary Paraganglioma-Pheochromocytoma Syndrome (Paragangliomas 4). Identifiers: Orphanet 29072, MedGen C1861848, MONDO:0007273, OMIM 115310.

Submission:

Myriad Genetics, Inc.
Classification: Benign for Pheochromocytoma/paraganglioma syndrome 4. Last evaluated: 2025-03-13. Review status: criteria provided, single submitter. Criteria: Myriad Autosomal Dominant, Autosomal Recessive and X-Linked Classification Criteria (2023). Collection method: clinical testing. Allele origin: unknown.
Comment: This variant is considered benign. This variant is a silent/synonymous amino acid change and it is not expected to impact splicing.

NM_003000.3(SDHB):c.750A>G (p.Thr250=)

Gene: SDHB (succinate dehydrogenase complex iron sulfur subunit B; minus strand). Cytogenetic location: 1p36.13.
Variant type: single nucleotide variant.
Coding change: c.750A>G on transcript NM_003000.3 (MANE Select); coding-DNA position 750, A replaced by G.
Protein change: p.Thr250=; no amino-acid change (threonine 250 retained).
Molecular consequence: synonymous variant.
Genome position (GRCh38, 1-based): chr1:17,022,623, T>C on the plus strand (A>G on the coding strand, the complement: SDHB is on the minus strand). VCF-style: chr1-17022623-T-C. GRCh37 (hg19) VCF-style: chr1-17349118-T-C.
Other names: c.696A>G, p.Thr232= (NM_001407361.1).
Identifiers: ClinVar variation 3904480 (VCV003904480.1).